The following is an entry in ClinVar:

NM_000326.5(RLBP1):c.304G>A (p.Ala102Thr)

Gene: RLBP1 (retinaldehyde binding protein 1; minus strand). Cytogenetic location: 15q26.1.
Variant type: single nucleotide variant.
Coding change: c.304G>A on transcript NM_000326.5 (MANE Select); coding-DNA position 304, G replaced by A.
Protein change: p.Ala102Thr; replaces alanine 102 with threonine.
Molecular consequence: missense variant.
Genome position (GRCh38, 1-based): chr15:89,217,162, C>T on the plus strand (G>A on the coding strand, the complement: RLBP1 is on the minus strand). VCF-style: chr15-89217162-C-T. GRCh37 (hg19) VCF-style: chr15-89760393-C-T.
Other names: short protein forms A102T.
Identifiers: ClinVar variation 860583 (VCV000860583.8), dbSNP rs143121722, ClinGen allele CA7722328.
Genomic context (GRCh38, chr15:89,217,162, plus strand): 5'-TCCAAGCACTGGCCTCACCTCTGAGCAGCTCATAGGCACGGCCCACGTTGAACTTCCGTG[C>T]GCGGATGAAGCGCAGGAAGAAGCCGCTGTCCTTCTCTTGCACCCTCTCCGCCACGGCCAC-3'
Protein context (NP_000317.1, residues 92-112): DSGFFLRFIR[Ala102Thr]RKFNVGRAYE

ClinVar aggregate classification (germline): Uncertain significance. Review status: criteria provided, multiple submitters, no conflicts (2 of 4 stars). 4 submissions from 4 submitters: Uncertain significance (4). Last evaluated 2026-01-29.

Conditions:
Pigmentary retinal dystrophy. Also called: Fundus albipunctatus. Identifiers: Orphanet 227796, Orphanet 52427, MedGen C0311338, MONDO:0007639, OMIM 136880, HP:0030642.
Bothnia retinal dystrophy. Also called: VASTERBOTTEN DYSTROPHY. Identifiers: Orphanet 85128, MedGen C1843816, MONDO:0011838, OMIM 607475.
Newfoundland cone-rod dystrophy. Identifiers: MedGen C1843815, MONDO:0011839, OMIM 607476.
RLBP1-related disorder. Also called: RLBP1-related disorders; RLBP1-related condition. Identifiers: MedGen CN239413.

Allele frequency attached by ClinVar (database versions not stated): gnomAD 0.00006; TOPMed 0.00009; ExAC 0.00010; ESP Exome Variant Server 0.00023.
gnomAD v4.1: 167 of 1,613,964 alleles (0.01%); highest among the groups gnomAD compares: Non-Finnish European, 0.013%; no homozygotes.

Submissions (4):

PreventionGenetics, part of Exact Sciences
Classification: Uncertain significance for RLBP1-related condition. Last evaluated: 2026-01-29. Review status: criteria provided, single submitter. Criteria: ACMG Guidelines, 2015. Collection method: clinical testing. Allele origin: germline.
Comment: The RLBP1 c.304G>A variant is predicted to result in the amino acid substitution p.Ala102Thr. To our knowledge, this variant has not been reported in the literature. This variant is present in 0.018% of alleles in individuals of European (Non-Finnish) descent in gnomAD. At this time, the clinical significance of this variant is uncertain due to the absence of conclusive functional and genetic evidence.

Blueprint Genetics
Classification: Uncertain significance. Last evaluated: 2024-05-23. Review status: criteria provided, single submitter. Criteria: ACMG Guidelines, 2015. Collection method: clinical testing. Allele origin: germline.

Labcorp Genetics (formerly Invitae), Labcorp
Classification: Uncertain significance. Last evaluated: 2022-10-25. Review status: criteria provided, single submitter. Criteria: Invitae Variant Classification Sherloc (09022015). Collection method: clinical testing. Allele origin: germline.
Comment: This sequence change replaces alanine, which is neutral and non-polar, with threonine, which is neutral and polar, at codon 102 of the RLBP1 protein (p.Ala102Thr). This variant is present in population databases (rs143121722, gnomAD 0.02%). This variant has not been reported in the literature in individuals affected with RLBP1-related conditions. ClinVar contains an entry for this variant (Variation ID: 860583). Advanced modeling of protein sequence and biophysical properties (such as structural, functional, and spatial information, amino acid conservation, physicochemical variation, residue mobility, and thermodynamic stability) performed at Invitae indicates that this missense variant is not expected to disrupt RLBP1 protein function. In summary, the available evidence is currently insufficient to determine the role of this variant in disease. Therefore, it has been classified as a Variant of Uncertain Significance.

Department of Pathology and Laboratory Medicine, Sinai Health System
Classification: Uncertain significance for Pigmentary retinal dystrophy; Bothnia retinal dystrophy; Newfoundland cone-rod dystrophy. Last evaluated: 2021-10-22. Review status: criteria provided, single submitter. Criteria: ACMG Guidelines, 2015. Collection method: research. Allele origin: germline.